The following is an entry in ClinVar:

ClinVar aggregate classification (germline): Uncertain significance. Review status: criteria provided, single submitter (1 of 4 stars). 3 submissions from 3 submitters: Uncertain significance (1). 2 of the submissions do not count toward it. Last evaluated 2022-05-04.

Conditions:
Myopia 22, autosomal dominant (MYP22). Identifiers: MedGen C3809464, MONDO:0014177, OMIM 615420.

Allele frequency attached by ClinVar (database versions not stated): gnomAD 0.00014 and 0.00025; ExAC 0.00041; 1000 Genomes Project 0.00180; 1000 Genomes Project 30x 0.00187; TOPMed 0.00025.
gnomAD v4.1: 220 of 1,610,904 alleles (0.014%); highest among the groups gnomAD compares: East Asian, 0.37%; 1 homozygote.

Submissions (3):

Mendelics
Classification: Uncertain significance. Last evaluated: 2022-05-04. Review status: criteria provided, single submitter. Criteria: Mendelics Assertion Criteria 2019. Collection method: clinical testing. Allele origin: germline.

Reproductive Health Research and Development, BGI Genomics
Classification: Uncertain significance for Myopia 22, autosomal dominant. Last evaluated: 2020-01-06. Review status: no assertion criteria provided. Collection method: curation. Allele origin: germline. Not counted in ClinVar's aggregate classification.
Comment: NM_152683.3:c.265T>G in PRIMPOL gene has an allele frequency of 0.006 in East Asian subpopulation in the gnomAD database. The PRIMPOL gene is also known as CCDC111. Variants in the PRIMPOL gene is inherited as a dominant model. Since the phenotype (high myopia) is not lethal. The frequency in the genomAD cannot rule out its pathogenicity. Zhao et al reported a pedigree, both patient with high myopia and normal family memebers of which harbors this variant. It is suggested to be not full penetrance (PMID: 23579484). We interpret it as variant of uncertain significance (VUS).

OMIM
Classification: Pathogenic for MYOPIA 22, AUTOSOMAL DOMINANT. Last evaluated: 2013-08-01. Review status: no assertion criteria provided. Collection method: literature only. Allele origin: germline. Not counted in ClinVar's aggregate classification.

Literature cited by the submitters: PubMed 23579484 (cited by OMIM).

NM_152683.4(PRIMPOL):c.265T>G (p.Tyr89Asp)

Gene: PRIMPOL (primase and DNA directed polymerase; plus strand). Cytogenetic location: 4q35.1.
Variant type: single nucleotide variant.
Coding change: c.265T>G on transcript NM_152683.4 (MANE Select); coding-DNA position 265, T replaced by G.
Protein change: p.Tyr89Asp; replaces tyrosine 89 with aspartic acid.
Molecular consequence: missense variant. On other transcripts: 5 prime UTR variant (5), non-coding transcript variant (3).
Genome position (GRCh38, 1-based): chr4:184,659,424, T>G. VCF-style: chr4-184659424-T-G. GRCh37 (hg19) VCF-style: chr4-185580578-T-G.
Other names: c.-123T>G (NM_001300767.2); c.265T>G, p.Tyr89Asp (NM_001300768.2, NM_001345891.2, NM_001345892.2 and 4 more transcripts); c.-302T>G (NM_001345894.2, NM_001345897.2, NM_001345898.2 and 1 more transcripts); c.18T>G, p.Phe6Leu (NM_001345900.2); short protein forms Y89D, F6L.
Identifiers: ClinVar variation 65424 (VCV000065424.5), dbSNP rs200857997, ClinGen allele CA144795.